The following is an entry in ClinVar:

ClinVar aggregate classification (germline): Likely pathogenic (1 of 4 stars; one submission).

Conditions:
Merosin deficient congenital muscular dystrophy (MDC1A). Also called: Congenital merosin-deficient muscular dystrophy 1A; Congenital Muscular Dystrophy Type 1A (MDC1A). Identifiers: Orphanet 258, MedGen C1263858, MONDO:0011925, OMIM 607855.

Submission:

Broad Center for Mendelian Genomics, Broad Institute of MIT and Harvard
Classification: Likely pathogenic for Merosin deficient congenital muscular dystrophy. Last evaluated: 2018-06-15. Review status: criteria provided, single submitter. Criteria: ACMG Guidelines, 2015. Collection method: research. Allele origin: germline. Inheritance: Autosomal recessive inheritance. Affected: yes.
Comment: This variant was absent from large population studies. The c.3412-2A>C variant occurs in the invariant region (+/- 1/2) of the splice consensus sequence and is predicted to cause altered splicing leading to an abnormal or absent protein. Loss of function of the LAMA2 gene is an established disease mechanism in congenital merosin-deficient muscular dystrophy, and this is likely a loss of function variant. In summary, although additional studies are required to fully establish its clinical significance, this variant is likely pathogenic.

NM_000426.4(LAMA2):c.3412-2A>C

Gene: LAMA2 (laminin subunit alpha 2; plus strand). Cytogenetic location: 6q22.33.
Variant type: single nucleotide variant.
Coding change: c.3412-2A>C on transcript NM_000426.4 (MANE Select); the canonical splice acceptor site of the intron before coding-DNA position 3412, A replaced by C.
Molecular consequence: splice acceptor variant.
Genome position (GRCh38, 1-based): chr6:129,314,653, A>C. VCF-style: chr6-129314653-A-C. GRCh37 (hg19) VCF-style: chr6-129635798-A-C.
Other names: c.3412-2A>C (NM_001079823.2).
Identifiers: ClinVar variation 635079 (VCV000635079.1), dbSNP rs1562449164, ClinGen allele CA365612164.